The following is an entry in ClinVar:

ClinVar aggregate classification (germline): Uncertain significance (1 of 4 stars; one submission).

Conditions:
Hypertrophic cardiomyopathy 14. Identifiers: MedGen C2750467, MONDO:0013197, OMIM 613251.

Submission:

Centre for Mendelian Genomics, University Medical Centre Ljubljana
Classification: Uncertain significance for Hypertrophic cardiomyopathy 14. Last evaluated: 2020-02-20. Review status: criteria provided, single submitter. Criteria: ACMG Guidelines, 2015. Collection method: clinical testing. Allele origin: unknown. Affected: yes.
Comment: This variant was classified as: Uncertain significance. The available evidence on this variant's pathogenicity is insufficient or conflicting. The following ACMG criteria were applied in classifying this variant: PM2,PP3.

NM_002471.4(MYH6):c.5364G>A (p.Met1788Ile)

Gene: MYH6 (myosin heavy chain 6; minus strand). Cytogenetic location: 14q11.2.
Variant type: single nucleotide variant.
Coding change: c.5364G>A on transcript NM_002471.4 (MANE Select); coding-DNA position 5364, G replaced by A.
Protein change: p.Met1788Ile; replaces methionine 1788 with isoleucine.
Molecular consequence: missense variant.
Genome position (GRCh38, 1-based): chr14:23,384,643, C>T on the plus strand (G>A on the coding strand, the complement: MYH6 is on the minus strand). VCF-style: chr14-23384643-C-T. GRCh37 (hg19) VCF-style: chr14-23853852-C-T.
Other names: short protein forms M1788I.
Identifiers: ClinVar variation 931847 (VCV000931847.3), dbSNP rs1890963680, ClinGen allele CA388985119.